The following is an entry in ClinVar:

ClinVar aggregate classification (germline): Uncertain significance (1 of 4 stars; one submission).

Conditions:
Hereditary cancer-predisposing syndrome. Also called: Neoplastic Syndromes, Hereditary; Tumor predisposition; Hereditary neoplastic syndrome; Hereditary Cancer Syndrome. Identifiers: Orphanet 140162, MedGen C0027672, MeSH D009386, MONDO:0015356.

Submission:

Ambry Genetics
Classification: Uncertain significance for Hereditary cancer-predisposing syndrome. Last evaluated: 2026-07-06. Review status: criteria provided, single submitter. Criteria: Ambry Variant Classification Scheme 2023. Collection method: clinical testing. Allele origin: germline.
Comment: The p.K63Q variant (also known as c.187A>C), located in coding exon 2 of the PRKAR1A gene, results from an A to C substitution at nucleotide position 187. The lysine at codon 63 is replaced by glutamine, an amino acid with similar properties. This amino acid position is conserved. In addition, the in silico prediction for this alteration is inconclusive. Based on the available evidence, the clinical significance of this variant remains unclear.

NM_002734.5(PRKAR1A):c.187A>C (p.Lys63Gln)

Gene: PRKAR1A (protein kinase cAMP-dependent type I regulatory subunit alpha; plus strand). Cytogenetic location: 17q24.2.
Variant type: single nucleotide variant.
Coding change: c.187A>C on transcript NM_002734.5 (MANE Select); coding-DNA position 187, A replaced by C.
Protein change: p.Lys63Gln; replaces lysine 63 with glutamine.
Molecular consequence: missense variant.
Genome position (GRCh38, 1-based): chr17:68,522,765, A>C. VCF-style: chr17-68522765-A-C. GRCh37 (hg19) VCF-style: chr17-66518906-A-C.
Other names: c.187A>C, p.Lys63Gln (NM_212472.2, NM_001276289.2, NM_001276290.1 and 4 more transcripts); short protein forms K63Q.
Identifiers: ClinVar variation 5027311 (VCV005027311.1).